The following is an entry in ClinVar:

ClinVar aggregate classification (germline): Uncertain significance (1 of 4 stars; one submission).

gnomAD v4.1: 2 of 1,423,508 alleles (0.00014%); highest among the groups gnomAD compares: Admixed American, 0.005%; no homozygotes.

Submission:

GeneDx
Classification: Uncertain significance. Last evaluated: 2023-06-21. Review status: criteria provided, single submitter. Criteria: GeneDx Variant Classification Process June 2021. Collection method: clinical testing. Allele origin: germline. Affected: yes.
Comment: In silico analysis supports that this missense variant does not alter protein structure/function; Has not been previously published as pathogenic or benign to our knowledge

NM_005883.3(APC2):c.5932G>T (p.Ala1978Ser)

Gene: APC2 (APC regulator of WNT signaling pathway 2; plus strand). Cytogenetic location: 19p13.3.
Variant type: single nucleotide variant.
Coding change: c.5932G>T on transcript NM_005883.3 (MANE Select); coding-DNA position 5932, G replaced by T.
Protein change: p.Ala1978Ser; replaces alanine 1978 with serine.
Molecular consequence: missense variant.
Genome position (GRCh38, 1-based): chr19:1,469,233, G>T. VCF-style: chr19-1469233-G-T. GRCh37 (hg19) VCF-style: chr19-1469232-G-T.
Other names: c.5929G>T, p.Ala1977Ser (NM_001351273.1); short protein forms A1977S, A1978S.
Identifiers: ClinVar variation 3360100 (VCV003360100.1).